The following is an entry in ClinVar:

ClinVar aggregate classification (germline): Pathogenic (1 of 4 stars; one submission).

Conditions:
Gorlin syndrome. Also called: Nevoid Basal Cell Carcinoma Syndrome; Basal cell nevus syndrome. Identifiers: Orphanet 377, MedGen C0004779, MONDO:0007187.

Allele frequency attached by ClinVar (database versions not stated): gnomAD exomes below 0.00001.
gnomAD v4.1: 1 of 1,612,794 alleles (0.000062%); highest among the groups gnomAD compares: Non-Finnish European, 0.000085%; no homozygotes.

Submission:

Labcorp Genetics (formerly Invitae), Labcorp
Classification: Pathogenic for Gorlin syndrome. Last evaluated: 2025-01-27. Review status: criteria provided, single submitter. Criteria: Invitae Variant Classification Sherloc (09022015). Collection method: clinical testing. Allele origin: germline.
Comment: This sequence change affects a donor splice site in intron 11 of the PTCH1 gene. It is expected to disrupt RNA splicing. Variants that disrupt the donor or acceptor splice site typically lead to a loss of protein function (PMID: 16199547), and loss-of-function variants in PTCH1 are known to be pathogenic (PMID: 16301862, 16419085). This variant is not present in population databases (gnomAD no frequency). Disruption of this splice site has been observed in individuals with nevoid basal cell carcinoma syndrome (PMID: 16301862; internal data). ClinVar contains an entry for this variant (Variation ID: 2854151). Algorithms developed to predict the effect of sequence changes on RNA splicing suggest that this variant may disrupt the consensus splice site. For these reasons, this variant has been classified as Pathogenic.

Literature cited by the submitters: PubMed 16199547; PubMed 16301862; PubMed 16419085.

NM_000264.5(PTCH1):c.1602+2T>C

Gene: PTCH1 (patched 1; minus strand). Cytogenetic location: 9q22.32.
Variant type: single nucleotide variant.
Coding change: c.1602+2T>C on transcript NM_000264.5 (MANE Select); the canonical splice donor site of the intron after coding-DNA position 1602, T replaced by C.
Molecular consequence: splice donor variant.
Genome position (GRCh38, 1-based): chr9:95,476,757, A>G on the plus strand (T>C on the coding strand, the complement: PTCH1 is on the minus strand). VCF-style: chr9-95476757-A-G. GRCh37 (hg19) VCF-style: chr9-98239039-A-G.
Other names: c.1599+2T>C (NM_001083603.3); c.1404+2T>C (NM_001083602.3); c.1446+2T>C (NM_001354918.2); c.1149+2T>C (NM_001083605.3, NM_001083604.3, NM_001083606.3 and 1 more transcripts).
Identifiers: ClinVar variation 2854151 (VCV002854151.3), dbSNP rs2118279350, ClinGen allele CA374118139.
Genomic context (GRCh38, chr9:95,476,757, plus strand): 5'-ATACTTAGGAACAGAGGAAGCTGTGATGTCCCCAAAGCTCTCTTCTTTTGTTTTTGCATT[A>G]CCTCAAAAGGGATTCTTTTATTCTGTCCTGTTTCACTGAAGGCGTGGGCCAGAAGAAAAA-3'